The following is an entry in ClinVar:

ClinVar aggregate classification (germline): Uncertain significance. Review status: criteria provided, multiple submitters, no conflicts (2 of 4 stars). 4 submissions from 4 submitters: Uncertain significance (4). Last evaluated 2026-05-14.

Conditions:
TTN-related disorder. Also called: TTN-related condition; TTN-related disease; TTN-related disorders.

Allele frequency attached by ClinVar (database versions not stated): gnomAD exomes below 0.00001 and 0.00001; gnomAD 0.00001 and 0.00002; TOPMed 0.00002.
gnomAD v4.1: 13 of 1,612,478 alleles (0.00081%); highest among the groups gnomAD compares: Non-Finnish European, 0.0011%; no homozygotes.

Submissions (4):

PreventionGenetics, part of Exact Sciences
Classification: Uncertain significance for TTN-related condition. Last evaluated: 2026-05-14. Review status: criteria provided, single submitter. Criteria: ACMG Guidelines, 2015. Collection method: clinical testing. Allele origin: germline.
Comment: The TTN c.63868C>T variant is predicted to result in the amino acid substitution p.Pro21290Ser. To our knowledge, this variant has not been reported in the literature. This variant is reported in 0.0032% of alleles in individuals of European (Non-Finnish) descent in gnomAD. At this time, the clinical significance of this variant is uncertain due to the absence of conclusive functional and genetic evidence.

GeneDx
Classification: Uncertain significance. Last evaluated: 2023-11-13. Review status: criteria provided, single submitter. Criteria: GeneDx Variant Classification Process June 2021. Collection method: clinical testing. Allele origin: germline. Affected: yes.
Comment: Has not been previously published as pathogenic or benign to our knowledge; Not observed at significant frequency in large population cohorts (gnomAD); Missense variant in a gene in which most reported pathogenic variants are truncating/loss of function

Mayo Clinic Laboratories, Mayo Clinic
Classification: Uncertain significance. Last evaluated: 2022-11-23. Review status: criteria provided, single submitter. Criteria: ACMG Guidelines, 2015. Collection method: clinical testing. Allele origin: germline. Observed: 1 variant allele.

Eurofins Ntd Llc (ga)
Classification: Uncertain significance. Last evaluated: 2017-07-05. Review status: criteria provided, single submitter. Criteria: EGL Classification Definitions 2015. Collection method: clinical testing. Allele origin: germline. Observed: 2 variant alleles, 2 heterozygotes.

NM_001267550.2(TTN):c.63868C>T (p.Pro21290Ser)

Genes: TTN (titin; minus strand), TTN-AS1 (TTN antisense RNA 1; plus strand). Cytogenetic location: 2q31.2.
Variant type: single nucleotide variant.
Coding change: c.63868C>T on transcript NM_001267550.2 (MANE Select); coding-DNA position 63868, C replaced by T.
Protein change: p.Pro21290Ser; replaces proline 21290 with serine.
Molecular consequence: missense variant.
Genome position (GRCh38, 1-based): chr2:178,587,343, G>A on the plus strand (C>T on the coding strand, the complement: TTN is on the minus strand). VCF-style: chr2-178587343-G-A. GRCh37 (hg19) VCF-style: chr2-179452070-G-A.
Other names: p.Pro19649Ser; c.58945C>T, p.Pro19649Ser (NM_001256850.1); c.36673C>T, p.Pro12225Ser (NM_003319.4); c.56164C>T, p.Pro18722Ser (NM_133378.4); c.37048C>T, p.Pro12350Ser (NM_133432.3); c.37249C>T, p.Pro12417Ser (NM_133437.4); c.63868C>T (NM_001267550.1); short protein forms P21290S, P18722S, P12225S, P12417S, P12350S, P19649S.
Identifiers: ClinVar variation 593030 (VCV000593030.8), dbSNP rs986183406, ClinGen allele CA60965287.